The following is an entry in ClinVar:

NM_013450.4(BAZ2B):c.4008T>G (p.Asp1336Glu)

Gene: BAZ2B (bromodomain adjacent to zinc finger domain 2B; minus strand). Cytogenetic location: 2q24.2.
Variant type: single nucleotide variant.
Coding change: c.4008T>G on transcript NM_013450.4 (MANE Select); coding-DNA position 4008, T replaced by G.
Protein change: p.Asp1336Glu; replaces aspartic acid 1336 with glutamic acid.
Molecular consequence: missense variant.
Genome position (GRCh38, 1-based): chr2:159,374,751, A>C on the plus strand (T>G on the coding strand, the complement: BAZ2B is on the minus strand). VCF-style: chr2-159374751-A-C. GRCh37 (hg19) VCF-style: chr2-160231262-A-C.
Other names: c.3900T>G, p.Asp1300Glu (NM_001289975.1); c.3846T>G, p.Asp1282Glu (NM_001329857.2); c.3933T>G, p.Asp1311Glu (NM_001329858.2); short protein forms D1282E, D1300E, D1311E, D1336E.
Identifiers: ClinVar variation 3764302 (VCV003764302.1).
Genomic context (GRCh38, chr2:159,374,751, plus strand): 5'-TTTACTCAGTTTTTCAATCTGTTTTTCCAGCTCTTCAACACTTGCTGCTTGGTCACCTTC[A>C]TCCTATACATAAGAAAATACAGTGTCATTTATCTGTTTTAAGATTTATTTATTCAATCAG-3'
Protein context (NP_038478.2, residues 1326-1346): GKKTDICEDE[Asp1336Glu]EGDQAASVEE

ClinVar aggregate classification (germline): Uncertain significance (1 of 4 stars; one submission).

Submission:

GeneDx
Classification: Uncertain significance. Last evaluated: 2024-08-20. Review status: criteria provided, single submitter. Criteria: GeneDx Variant Classification Process June 2021. Collection method: clinical testing. Allele origin: germline. Affected: yes.
Comment: Not observed at significant frequency in large population cohorts (gnomAD); In silico analysis indicates that this missense variant does not alter protein structure/function; Has not been previously published as pathogenic or benign to our knowledge